The following is an entry in ClinVar:

NM_001104631.2(PDE4D):c.2255G>A (p.Ser752Asn)

Gene: PDE4D (phosphodiesterase 4D; minus strand). Cytogenetic location: 5q11.2.
Variant type: single nucleotide variant.
Coding change: c.2255G>A on transcript NM_001104631.2 (MANE Select); coding-DNA position 2255, G replaced by A.
Protein change: p.Ser752Asn; replaces serine 752 with asparagine.
Molecular consequence: missense variant.
Genome position (GRCh38, 1-based): chr5:58,974,839, C>T on the plus strand (G>A on the coding strand, the complement: PDE4D is on the minus strand). VCF-style: chr5-58974839-C-T. GRCh37 (hg19) VCF-style: chr5-58270666-C-T.
Other names: c.1925G>A, p.Ser642Asn (NM_001349242.2); c.1487G>A, p.Ser496Asn (NM_001349243.2, NM_001364604.1); c.2072G>A, p.Ser691Asn (NM_001364599.1, NM_001165899.2); c.1349G>A, p.Ser450Asn (NM_001364603.1, NM_001197221.2); c.1847G>A, p.Ser616Asn (NM_006203.5); c.2063G>A, p.Ser688Asn (NM_001197218.2); c.1889G>A, p.Ser630Asn (NM_001197219.2); c.1865G>A, p.Ser622Asn (NM_001197220.2); and 4 more; short protein forms S450N, S496N, S622N, S528N, S616N, S681N, S688N, S691N.
Identifiers: ClinVar variation 3023332 (VCV003023332.4), dbSNP rs2479154566, ClinGen allele CA359812614.
Genomic context (GRCh38, chr5:58,974,839, plus strand): 5'-TCTTGAGTACAAAGAGTCTTGGAGTCACTGCAGCTAGTGTCTTCTTCCACTTGACTGCCA[C>T]TGTCCTTTTCCGTGTCTGACTCACCATCTTCCTCTAAAGTTAGTTCAAACTGGAATTTCT-3'
Protein context (NP_001098101.1, residues 742-762): EDGESDTEKD[Ser752Asn]GSQVEEDTSC

ClinVar aggregate classification (germline): Uncertain significance. Review status: criteria provided, multiple submitters, no conflicts (2 of 4 stars). 2 submissions from 2 submitters: Uncertain significance (2). Last evaluated 2024-04-26.

gnomAD v4.1: 1 of 1,613,348 alleles (0.000062%); no homozygotes.

Submissions (2):

GeneDx
Classification: Uncertain significance. Last evaluated: 2024-04-26. Review status: criteria provided, single submitter. Criteria: GeneDx Variant Classification Process June 2021. Collection method: clinical testing. Allele origin: germline. Affected: yes.
Comment: Not observed at significant frequency in large population cohorts (gnomAD); In silico analysis indicates that this missense variant does not alter protein structure/function; Has not been previously published as pathogenic or benign to our knowledge

Labcorp Genetics (formerly Invitae), Labcorp
Classification: Uncertain significance. Last evaluated: 2023-12-07. Review status: criteria provided, single submitter. Criteria: Invitae Variant Classification Sherloc (09022015). Collection method: clinical testing. Allele origin: germline.
Comment: This sequence change replaces serine, which is neutral and polar, with asparagine, which is neutral and polar, at codon 752 of the PDE4D protein (p.Ser752Asn). This variant is not present in population databases (gnomAD no frequency). This variant has not been reported in the literature in individuals affected with PDE4D-related conditions. An algorithm developed to predict the effect of missense changes on protein structure and function (PolyPhen-2) suggests that this variant is likely to be tolerated. In summary, the available evidence is currently insufficient to determine the role of this variant in disease. Therefore, it has been classified as a Variant of Uncertain Significance.